The following is an entry in ClinVar:

NM_017780.4(CHD7):c.299C>A (p.Ser100Tyr)

Gene: CHD7 (chromodomain helicase DNA binding protein 7; plus strand). Cytogenetic location: 8q12.2.
Variant type: single nucleotide variant.
Coding change: c.299C>A on transcript NM_017780.4 (MANE Select); coding-DNA position 299, C replaced by A.
Protein change: p.Ser100Tyr; replaces serine 100 with tyrosine.
Molecular consequence: missense variant.
Genome position (GRCh38, 1-based): chr8:60,741,731, C>A. VCF-style: chr8-60741731-C-A. GRCh37 (hg19) VCF-style: chr8-61654290-C-A.
Other names: c.299C>A, p.Ser100Tyr (NM_001316690.1); short protein forms S100Y.
Identifiers: ClinVar variation 931330 (VCV000931330.3), dbSNP rs1809030198, ClinGen allele CA371297036.

ClinVar aggregate classification (germline): Uncertain significance (1 of 4 stars; one submission).

Conditions:
CHARGE syndrome (CHARGE). Also called: Hittner Hirsch Kreh syndrome; Coloboma, heart anomaly, choanal atresia, retardation, genital and ear anomalies; CHARGE association; Hall-Hittner syndrome; CHARGE ASSOCIATION--COLOBOMA, HEART ANOMALY, CHOANAL ATRESIA, RETARDATION, GENITAL AND EAR ANOMALIES. Identifiers: Orphanet 138, MedGen C0265354, MONDO:0008965.

Submission:

Centre for Mendelian Genomics, University Medical Centre Ljubljana
Classification: Uncertain significance for CHD7-related CHARGE syndrome. Last evaluated: 2020-02-04. Review status: criteria provided, single submitter. Criteria: ACMG Guidelines, 2015. Collection method: clinical testing. Allele origin: unknown. Affected: yes.
Comment: This variant was classified as: Uncertain significance. The available evidence on this variant's pathogenicity is insufficient or conflicting. The following ACMG criteria were applied in classifying this variant: PM2,BP1.